The following is an entry in ClinVar:

NM_001129.5(AEBP1):c.853G>A (p.Glu285Lys)

Gene: AEBP1 (AE binding protein 1; plus strand). Cytogenetic location: 7p13.
Variant type: single nucleotide variant.
Coding change: c.853G>A on transcript NM_001129.5 (MANE Select); coding-DNA position 853, G replaced by A.
Protein change: p.Glu285Lys; replaces glutamic acid 285 with lysine.
Molecular consequence: missense variant.
Genome position (GRCh38, 1-based): chr7:44,107,922, G>A. VCF-style: chr7-44107922-G-A. GRCh37 (hg19) VCF-style: chr7-44147521-G-A.
Other names: c.853G>A (NM_001129.3); short protein forms E285K.
Identifiers: ClinVar variation 1519071 (VCV001519071.8), dbSNP rs1343015840, ClinGen allele CA367359819.

ClinVar aggregate classification (germline): Uncertain significance. Review status: criteria provided, multiple submitters, no conflicts (2 of 4 stars). 2 submissions from 2 submitters: Uncertain significance (2). Last evaluated 2022-11-07.

Conditions:
Inborn genetic diseases. Identifiers: MedGen C0950123, MeSH D030342.

Allele frequency attached by ClinVar (database versions not stated): gnomAD exomes below 0.00001; gnomAD 0.00001.
gnomAD v4.1: 7 of 1,588,380 alleles (0.00044%); highest among the groups gnomAD compares: Non-Finnish European, 0.00034%; no homozygotes.

Submissions (2):

Ambry Genetics
Classification: Uncertain significance for Inborn genetic diseases. Last evaluated: 2022-11-07. Review status: criteria provided, single submitter. Criteria: Ambry Variant Classification Scheme 2023. Collection method: clinical testing. Allele origin: germline.

Labcorp Genetics (formerly Invitae), Labcorp
Classification: Uncertain significance. Last evaluated: 2022-05-27. Review status: criteria provided, single submitter. Criteria: Invitae Variant Classification Sherloc (09022015). Collection method: clinical testing. Allele origin: germline.
Comment: In summary, the available evidence is currently insufficient to determine the role of this variant in disease. Therefore, it has been classified as a Variant of Uncertain Significance. Algorithms developed to predict the effect of missense changes on protein structure and function output the following: SIFT: "Tolerated"; PolyPhen-2: "Benign"; Align-GVGD: "Class C0". The lysine amino acid residue is found in multiple mammalian species, which suggests that this missense change does not adversely affect protein function. This variant has not been reported in the literature in individuals affected with AEBP1-related conditions. This variant is present in population databases (no rsID available, gnomAD 0.007%). This sequence change replaces glutamic acid, which is acidic and polar, with lysine, which is basic and polar, at codon 285 of the AEBP1 protein (p.Glu285Lys).